The following is an entry in ClinVar:

ClinVar aggregate classification (germline): Uncertain significance (1 of 4 stars; one submission).

Conditions:
UGT1A1-related disorder. Also called: UGT1A1-related condition; UGT1A1-related disorders.

gnomAD v4.1: 2 of 1,614,118 alleles (0.00012%); highest among the groups gnomAD compares: Non-Finnish European, 0.00017%; no homozygotes.

Submission:

PreventionGenetics, part of Exact Sciences
Classification: Uncertain significance for UGT1A1-related condition. Last evaluated: 2026-06-04. Review status: criteria provided, single submitter. Criteria: ACMG Guidelines, 2015. Collection method: clinical testing. Allele origin: germline.
Comment: The UGT1A1 c.1015G>A variant is predicted to result in the amino acid substitution p.Gly339Arg. To our knowledge, this variant has not been reported in the literature or in a large population database (gnomAD), indicating this variant is rare. At this time, the clinical significance of this variant is uncertain due to the absence of conclusive functional and genetic evidence.

NM_000463.3(UGT1A1):c.1015G>A (p.Gly339Arg)

Genes: UGT1A (UDP glucuronosyltransferase family 1 member A complex locus; plus strand), UGT1A1 (UDP glucuronosyltransferase family 1 member A1; plus strand), UGT1A10 (UDP glucuronosyltransferase family 1 member A10; plus strand), UGT1A3 (UDP glucuronosyltransferase family 1 member A3; plus strand), UGT1A4 (UDP glucuronosyltransferase family 1 member A4; plus strand) and 5 more. Cytogenetic location: 2q37.1.
Variant type: single nucleotide variant.
Coding change: c.1015G>A on transcript NM_000463.3 (MANE Select); coding-DNA position 1015, G replaced by A.
Protein change: p.Gly339Arg; replaces glycine 339 with arginine.
Molecular consequence: missense variant.
Genome position (GRCh38, 1-based): chr2:233,767,867, G>A. VCF-style: chr2-233767867-G-A. GRCh37 (hg19) VCF-style: chr2-234676513-G-A.
Other names: c.1006G>A, p.Gly336Arg (NM_019075.4, NM_019076.5, NM_019077.3 and 1 more transcripts); c.1012G>A, p.Gly338Arg (NM_001072.4); c.211G>A, p.Gly71Arg (NM_205862.3); c.1018G>A, p.Gly340Arg (NM_019078.2, NM_007120.3, NM_019093.4); short protein forms G338R, G71R, G336R, G339R, G340R.
Identifiers: ClinVar variation 4991625 (VCV004991625.1).